The following is an entry in ClinVar:

NM_017617.5(NOTCH1):c.2468-197C>T

Gene: NOTCH1 (notch receptor 1; minus strand). Cytogenetic location: 9q34.3.
Variant type: single nucleotide variant.
Coding change: c.2468-197C>T on transcript NM_017617.5 (MANE Select); 197 bases into the intron before coding-DNA position 2468, C replaced by T.
Molecular consequence: intron variant.
Genome position (GRCh38, 1-based): chr9:136,511,468, G>A on the plus strand (C>T on the coding strand, the complement: NOTCH1 is on the minus strand). VCF-style: chr9-136511468-G-A. GRCh37 (hg19) VCF-style: chr9-139405920-G-A.
Identifiers: ClinVar variation 679434 (VCV000679434.2), dbSNP rs143936898, ClinGen allele CA201584005.

ClinVar aggregate classification (germline): Likely benign. Review status: criteria provided, multiple submitters, no conflicts (2 of 4 stars). 2 submissions from 2 submitters: Likely benign (2). Last evaluated 2018-06-16.

Allele frequency attached by ClinVar (database versions not stated): 1000 Genomes Project 30x 0.01171; 1000 Genomes Project 0.01218; gnomAD 0.01254 and 0.01348; TOPMed 0.01349.
gnomAD v4.1: 1,883 of 152,292 alleles (1.2%); highest among the groups gnomAD compares: African/African-American, 4.4%; 38 homozygotes.

Submissions (2):

GeneDx
Classification: Likely benign. Last evaluated: 2018-06-16. Review status: criteria provided, single submitter. Criteria: GeneDx Variant Classification (06012015). Collection method: clinical testing. Allele origin: germline. Affected: yes.
Comment: This variant is considered likely benign or benign based on one or more of the following criteria: it is a conservative change, it occurs at a poorly conserved position in the protein, it is predicted to be benign by multiple in silico algorithms, and/or has population frequency not consistent with disease.

Breakthrough Genomics
Classification: Likely benign. Review status: criteria provided, single submitter. Criteria: ACMG Guidelines, 2015. Collection method: not provided. Allele origin: germline. Inheritance: Autosomal dominant inheritance. Affected: yes.